The following is an entry in ClinVar:

NM_004168.4(SDHA):c.600A>G (p.Leu200=)

Gene: SDHA (succinate dehydrogenase complex flavoprotein subunit A; plus strand). Cytogenetic location: 5p15.33.
Variant type: single nucleotide variant.
Coding change: c.600A>G on transcript NM_004168.4 (MANE Select); coding-DNA position 600, A replaced by G.
Protein change: p.Leu200=; no amino-acid change (leucine 200 retained).
Molecular consequence: synonymous variant.
Genome position (GRCh38, 1-based): chr5:226,026, A>G. VCF-style: chr5-226026-A-G. GRCh37 (hg19) VCF-style: chr5-226141-A-G.
Other names: c.456A>G, p.Leu152= (NM_001294332.2); c.600A>G, p.Leu200= (NM_001330758.2).
Identifiers: ClinVar variation 252910 (VCV000252910.29), dbSNP rs201967413, ClinGen allele CA3172888.

ClinVar aggregate classification (germline): Benign/Likely benign. Review status: criteria provided, multiple submitters, no conflicts (2 of 4 stars). 8 submissions from 8 submitters: Benign (3); Likely benign (4). 1 of the submissions does not count toward it. Last evaluated 2026-01-28.

Conditions:
SDHA-related disorder. Also called: SDHA-related condition; SDHA-related disorders.
Hereditary cancer-predisposing syndrome. Also called: Tumor predisposition; Hereditary Cancer Syndrome; Neoplastic Syndromes, Hereditary; Hereditary neoplastic syndrome. Identifiers: Orphanet 140162, MedGen C0027672, MeSH D009386, MONDO:0015356.
Pheochromocytoma/paraganglioma syndrome 5. Also called: Paragangliomas 5; SDHA-Related Hereditary Paraganglioma-Pheochromocytoma Syndrome. Identifiers: Orphanet 29072, MedGen C3279992, MONDO:0013602, OMIM 614165.
Mitochondrial complex II deficiency, nuclear type 1. Also called: SUCCINATE CoQ REDUCTASE DEFICIENCY. Identifiers: Orphanet 3208, MedGen C5700310, MONDO:0100294, OMIM 252011.

Allele frequency attached by ClinVar (database versions not stated): gnomAD exomes 0.00006 and 0.00013; ExAC 0.00017; 1000 Genomes Project 0.00020; ESP Exome Variant Server 0.00023; 1000 Genomes Project 30x 0.00031; gnomAD 0.00049 and 0.00056; TOPMed 0.00065.
gnomAD v4.1: 166 of 1,614,116 alleles (0.01%); highest among the groups gnomAD compares: African/African-American, 0.2%; 1 homozygote.

Submissions (8):

Labcorp Genetics (formerly Invitae), Labcorp
Classification: Likely benign for Pheochromocytoma/paraganglioma syndrome 5; Mitochondrial complex II deficiency, nuclear type 1. Last evaluated: 2026-01-28. Review status: criteria provided, single submitter. Criteria: Invitae Variant Classification Sherloc (09022015). Collection method: clinical testing. Allele origin: germline.

CeGaT Center for Human Genetics Tuebingen
Classification: Likely benign. Last evaluated: 2025-11-01. Review status: criteria provided, single submitter. Criteria: CeGaT Center For Human Genetics Tuebingen Variant Classification Criteria Version 2. Collection method: clinical testing. Allele origin: germline. Affected: yes. Observed: 1 variant allele.
Comment: SDHA: BP4, BP7

Quest Diagnostics Nichols Institute San Juan Capistrano
Classification: Benign. Last evaluated: 2025-07-25. Review status: criteria provided, single submitter. Criteria: Quest Diagnostics criteria. Collection method: clinical testing. Allele origin: unknown.

Myriad Genetics, Inc.
Classification: Benign for Pheochromocytoma/paraganglioma syndrome 5. Last evaluated: 2025-03-03. Review status: criteria provided, single submitter. Criteria: Myriad Autosomal Dominant, Autosomal Recessive and X-Linked Classification Criteria (2023). Collection method: clinical testing. Allele origin: unknown.
Comment: This variant is considered benign. This variant is a silent/synonymous amino acid change and it is not expected to impact splicing.

Blueprint Genetics
Classification: Likely benign. Last evaluated: 2024-08-20. Review status: criteria provided, single submitter. Criteria: ACMG Guidelines, 2015. Collection method: clinical testing. Allele origin: germline.

Sema4
Classification: Benign for Hereditary cancer-predisposing syndrome. Last evaluated: 2021-01-25. Review status: criteria provided, single submitter. Criteria: Sema4 Curation Guidelines. Collection method: curation. Allele origin: germline.

Ambry Genetics
Classification: Likely benign for Hereditary cancer-predisposing syndrome. Last evaluated: 2015-10-30. Review status: criteria provided, single submitter. Criteria: Ambry Variant Classification Scheme 2023. Collection method: clinical testing. Allele origin: germline.

PreventionGenetics, part of Exact Sciences
Classification: Likely benign for SDHA-related condition. Last evaluated: 2020-01-02. Review status: no assertion criteria provided. Collection method: clinical testing. Allele origin: germline. Not counted in ClinVar's aggregate classification.
Comment: This variant is classified as likely benign based on ACMG/AMP sequence variant interpretation guidelines (Richards et al. 2015 PMID: 25741868, with internal and published modifications).